The following is an entry in ClinVar:

NC_012920.1(MT-ND4):m.11778G>A

Gene: MT-ND4 (mitochondrially encoded NADH dehydrogenase 4; plus strand).
Variant type: single nucleotide variant.
Genome position: chrM-11778-G-A.
Identifiers: ClinVar variation 9708 (VCV000009708.66), dbSNP rs199476112, ClinGen allele CA340939.

ClinVar aggregate classification (germline): Pathogenic. Review status: reviewed by expert panel (3 of 4 stars). 25 submissions from 23 submitters: Pathogenic (1). 24 of the submissions do not count toward it. Last evaluated 2022-06-30.

Conditions:
Primary Mitochondrial Disorders. Identifiers: MedGen CN381104.
MT-ND4-related disorders.
Leber optic atrophy, susceptibility to. Also called: LEBER HEREDITARY OPTIC NEUROPATHY, MODIFIER OF; LHON, MODIFIER OF. Identifiers: Orphanet 104, MedGen C1839891, MONDO:0010640, OMIM 308905.
Optic atrophy. Identifiers: MedGen C0029124, MONDO:0003608, HP:0000648.
Retinal dystrophy. Also called: Inherited retinal dystrophy. Identifiers: Orphanet 71862, MedGen C0854723, MeSH D058499, MONDO:0019118, HP:0000556.
Mitochondrial disease. Also called: Mitochondrial disorder; Mitochondrial disorders. Identifiers: Orphanet 68380, MedGen C0751651, MeSH D028361, MONDO:0044970.
Leber optic atrophy (LHON). Also called: Leber hereditary optic neuropathy; Leber's disease; Leber's optic atrophy; Optic Atrophy, Hereditary, Leber. Identifiers: Orphanet 104, MedGen C0917796, MONDO:0010788, OMIM 535000, HP:0001112.

Submissions 1 to 10 of 25:

ClinGen Mitochondrial Disease Nuclear and Mitochondrial  Variant Curation Expert Panel, ClinGen
Classification: Pathogenic for Mitochondrial disease. Last evaluated: 2022-06-30. Review status: reviewed by expert panel. Criteria: clingen mito disease acmg specifications v1-1. Collection method: curation. Allele origin: germline. Inheritance: Mitochondrial inheritance.
Comment: The m.11778G>A (p.R340H) variant in MT-ND4 has been reported in >16 unrelated individuals with primary mitochondrial disease. While this variant is one of the three most common variants associated with Leber Hereditary Optic Neuropathy (LHON; PMID: 20301353), affected individuals can also have other features. Indeed, affected individuals have been reported with features including LHON, Leigh syndrome, cerebellar ataxia, migraines, regression, leukoencephalopathy, myoclonus, psychiatric illness, Parkinsonism, axonal neuropathy, multiple sclerosis, and ophthalmoplegia; and this variant has been seen in affected individuals in the homoplasmic and heteroplasmic states (PS4; PMIDs: 3201231, 2575667, 2566021, 2390098, 1635296, 17724295, 18848389, 25917160, 18216301, 17254817, 8902729, 27119776). This variant segregated with disease in multiple affected members in multiple families and several healthy family members had lower to undetectable levels of the variant (PP1_moderate; PMIDs: 27119776, 2390098). There are no confirmed de novo occurrences of this variant to our knowledge. This variant is present in the healthy population, which is to be expected given the known reduced penetrance of this variant. The computational predictor APOGEE gives a consensus rating of pathogenic with a score of 0.97 (Min=0, Max=1), which predicts a damaging effect on gene function (PP3). Cybrid studies supported the functional impact of this variant (PS3_supporting; PMIDs: 10976107, 7763260). This variant meets criteria to be classified as likely pathogenic however this Expert Panel elected to modify the classification to pathogenic given the overwhelming evidence of pathogenicity. Furthermore, the mitochondrial DNA variant specifications are known to not be optimized for pathogenic variants that tend to be homoplasmic in nature and/or have reduced penetrance, such as the common variants associated with LHON. This classification was approved by the NICHD/NINDS U24 Mitochondrial Disease Variant Curation Expert Panel on May 24, 2022. Mitochondrial DNA-specific ACMG/AMP criteria applied (PMID: 32906214): PS3_supporting, PS4, PP1_moderate, PP3.

Variantyx, Inc.
Classification: Pathogenic for Primary mitochondrial disorders. Last evaluated: 2026-01-20. Review status: criteria provided, single submitter. Criteria: Variantyx Assertion Criteria 2022. Collection method: clinical testing. Allele origin: germline. Affected: yes. Not counted in ClinVar's aggregate classification.
Comment: The m.11778G>A, c.1019G>A, p.Arg340His change is a nonsynonymous single nucleotide variant in the MT-ND4 gene. Pathogenic variants in this gene have been associated with primary mitochondrial disorders. This variant has been reported in many unrelated affected individuals (PMID: 3201231, 2575667, 2566021, 2390098, 1635296, 17254817, 27119776) (PS4_Very_Strong) and it segregated with disease in many affected members across multiple families. Of note, unaffected family members may have lower to undetectable levels of the variant (PMID: 17072496) (PP1). Functional studies support a deleterious effect for this variant (PMID: 10976107, 7763260) (PS3_Moderate). An alternate amino acid change at this position (p.Arg340ser) has been previously reported in affected individuals (PMID: 12707444, 16120329, 15576045, 20502985, 24642831, 29428506) (PM5). Computational algorithms support a deleterious effect on the gene or gene product (Aggregate Predicted Severity Score: 0.57) (PP3). Other reputable laboratories have reported this variant as pathogenic or likely pathogenic, and this classification has been validated by an expert panel in ClinVar (PP5). Based on the current evidence, this variant is classified as pathogenic for primary mitochondrial disorders.

3billion
Classification: Pathogenic for Leber optic atrophy. Last evaluated: 2026-01-13. Review status: criteria provided, single submitter. Criteria: ACMG Guidelines, 2015. Collection method: clinical testing. Allele origin: germline. Affected: yes. Not counted in ClinVar's aggregate classification.
Comment: The variant is observed in the gnomAD v4.1.0 dataset (total allele frequency: 0.023%, homoplasmic allele frequency: 0.019%). Predicted Consequence/Location: Mitochondrial variant Functional studies provide supporting evidence of the variant having a damaging effect on the gene or gene product (PMID: 10976107, 7763260). In silico tool predictions suggest damaging effect of the variant on gene or gene product [APOGEE2: 0.93 (>= 0.716)]. The same nucleotide change resulting in the same amino acid change has been previously reported as pathogenic/likely pathogenic with strong evidence (3billion dataset/ClinVar ID: VCV000009708). The variant has been observed in multiple (>3) similarly affected unrelated individuals (PMID: 1635296, 17254817, 17724295, 18216301, 18848389, 2390098, 2566021, 2575667, 25917160, 27119776, 3201231, 8902729). Therefore, this variant is classified as Pathogenic according to the recommendation of ACMG/AMP guideline.

Variantyx, Inc.
Classification: Pathogenic for MT-ND4-related disorders. Last evaluated: 2025-11-14. Review status: criteria provided, single submitter. Criteria: Variantyx Assertion Criteria 2022. Collection method: clinical testing. Allele origin: germline. Inheritance: Mitochondrial inheritance. Not counted in ClinVar's aggregate classification.
Comment: The m.11778G>A, c.1019G>A, p.Arg340His change is a nonsynonymous single nucleotide variant in the MT-ND4 gene. Pathogenic variants in this gene have been associated with primary mitochondrial disorders. This variant has been reported in many unrelated affected individuals (PMID: 3201231, 2575667, 2566021, 2390098, 1635296, 17254817, 27119776) (PS4_Very_Strong). This variant segregated with disease in many affected members across multiple families; unaffected family members may have lower to undetectable levels of the variant (PMID: 17072496) (PP1). Functional studies support a deleterious effect for this variant (PMID: 10976107, 7763260) (PS3_Moderate). An alternate amino acid change at this position (p.Arg340ser) has been previously reported in affected individuals (PMID: 12707444, 16120329, 15576045, 20502985, 24642831, 29428506) (PM5). Computational algorithms support a deleterious effect on the gene or gene product (Aggregate Predicted Severity Score: 0.57) (PP3). Other reputable laboratories have reported this variant as pathogenic or likely pathogenic, and this classification has been validated by an expert panel in ClinVar (PP5). This variant has a 0.0195% homoplasmic allele frequency in control populations. Based on the current evidence, this variant is classified as pathogenic for primary mitochondrial disorders.

Institute of Human Genetics, University of Leipzig Medical Center
Classification: Pathogenic for Leber optic atrophy. Last evaluated: 2024-08-20. Review status: criteria provided, single submitter. Criteria: ACMG Guidelines, 2015. Collection method: clinical testing. Allele origin: unknown. Inheritance: Mitochondrial inheritance. Affected: yes. Not counted in ClinVar's aggregate classification.
Comment: Criteria applied: PS4,PP1_MOD,PS3_SUP,PP3

Clinical Genetics Laboratory, Skane University Hospital Lund
Classification: Pathogenic. Last evaluated: 2024-01-24. Review status: criteria provided, single submitter. Criteria: ACMG Guidelines, 2015. Collection method: clinical testing. Allele origin: germline. Affected: yes. Not counted in ClinVar's aggregate classification.

Institute for Medical Genetics and Human Genetics, Charité - Universitätsmedizin Berlin
Classification: Pathogenic. Last evaluated: 2022-09-22. Review status: criteria provided, single submitter. Criteria: ACMG Guidelines, 2015. Collection method: clinical testing. Allele origin: germline. Inheritance: Mitochondrial inheritance. Affected: yes. Observed: 2 homozygotes. Clinical features observed: Abnormal optic nerve morphology (HP:0000587), Optic atrophy (HP:0000648), Global developmental delay (HP:0001263), Abnormal cerebral white matter morphology (HP:0002500). Not counted in ClinVar's aggregate classification.

MGZ Medical Genetics Center
Classification: Pathogenic for Leber optic atrophy, susceptibility to. Last evaluated: 2022-05-27. Review status: criteria provided, single submitter. Criteria: ACMG Guidelines, 2015. Collection method: clinical testing. Allele origin: germline. Affected: yes. Observed: 5 variant alleles. Not counted in ClinVar's aggregate classification.
Comment: ACMG criteria applied: PS4, PM5, PP1_MOD, PP3, PP4

Mendelics
Classification: Pathogenic for Leber optic atrophy. Last evaluated: 2022-05-04. Review status: criteria provided, single submitter. Criteria: Mendelics Assertion Criteria 2019. Collection method: clinical testing. Allele origin: germline. Not counted in ClinVar's aggregate classification.

Institute of Medical Genetics and Applied Genomics, University Hospital Tübingen
Classification: Pathogenic. Last evaluated: 2020-10-23. Review status: criteria provided, single submitter. Criteria: ACMG Guidelines, 2015. Collection method: clinical testing. Allele origin: germline. Inheritance: Unknown mechanism. Affected: yes. Not counted in ClinVar's aggregate classification.